The following is an entry in ClinVar:

ClinVar aggregate classification (germline): Uncertain significance (1 of 4 stars; one submission).

Allele frequency attached by ClinVar (database versions not stated): TOPMed below 0.00001; gnomAD 0.00001.
gnomAD v4.1: 9 of 1,606,352 alleles (0.00056%); highest among the groups gnomAD compares: Non-Finnish European, 0.00059%; no homozygotes.

Submission:

Labcorp Genetics (formerly Invitae), Labcorp
Classification: Uncertain significance. Last evaluated: 2024-06-12. Review status: criteria provided, single submitter. Criteria: Invitae Variant Classification Sherloc (09022015). Collection method: clinical testing. Allele origin: germline.
Comment: This sequence change falls in intron 18 of the CLCN6 gene. It does not directly change the encoded amino acid sequence of the CLCN6 protein. This variant is not present in population databases (gnomAD no frequency). This variant has not been reported in the literature in individuals affected with CLCN6-related conditions. Algorithms developed to predict the effect of sequence changes on RNA splicing suggest that this variant may disrupt the consensus splice site. In summary, the available evidence is currently insufficient to determine the role of this variant in disease. Therefore, it has been classified as a Variant of Uncertain Significance.

NM_001286.5(CLCN6):c.1981-13T>G

Gene: CLCN6 (chloride voltage-gated channel 6; plus strand). Cytogenetic location: 1p36.22.
Variant type: single nucleotide variant.
Coding change: c.1981-13T>G on transcript NM_001286.5 (MANE Select); 13 bases into the intron before coding-DNA position 1981, T replaced by G.
Molecular consequence: intron variant.
Genome position (GRCh38, 1-based): chr1:11,836,986, T>G. VCF-style: chr1-11836986-T-G. GRCh37 (hg19) VCF-style: chr1-11897043-T-G.
Other names: c.1915-13T>G (NM_001256959.2).
Identifiers: ClinVar variation 2881677 (VCV002881677.3), dbSNP rs1385052504, ClinGen allele CA998629837.